The following is an entry in ClinVar:

NM_174936.4(PCSK9):c.580C>G (p.Arg194Gly)

Gene: PCSK9 (proprotein convertase subtilisin/kexin type 9; plus strand). Cytogenetic location: 1p32.3.
Variant type: single nucleotide variant.
Coding change: c.580C>G on transcript NM_174936.4 (MANE Select); coding-DNA position 580, C replaced by G.
Protein change: p.Arg194Gly; replaces arginine 194 with glycine.
Molecular consequence: missense variant. On other transcripts: non-coding transcript variant (8).
Genome position (GRCh38, 1-based): chr1:55,052,334, C>G. VCF-style: chr1-55052334-C-G. GRCh37 (hg19) VCF-style: chr1-55518007-C-G.
Other names: c.703C>G, p.Arg235Gly (NM_001407240.1); c.580C>G, p.Arg194Gly (NM_001407241.1, NM_001407242.1, NM_001407244.1 and 1 more transcripts); c.523C>G, p.Arg175Gly (NM_001407243.1); c.388C>G, p.Arg130Gly (NM_001407245.1); c.205C>G, p.Arg69Gly (NM_001407246.1); short protein forms R130G, R175G, R194G, R235G, R69G.
Identifiers: ClinVar variation 3387429 (VCV003387429.1).

ClinVar aggregate classification (germline): Uncertain significance (1 of 4 stars; one submission).

Conditions:
Hypercholesterolemia, autosomal dominant, 3 (FHCL3). Also called: Familial Hypercholesterolemia, Autosomal Dominant, 3; PCSK9-Related Familial Hypercholesterolemia, Autosomal Dominant; Familial hypercholesterolemia 3. Identifiers: MedGen C1863551, MONDO:0011369, OMIM 603776.

Submission:

All of Us Research Program, National Institutes of Health
Classification: Uncertain significance for Hypercholesterolemia, autosomal dominant, 3. Last evaluated: 2024-03-05. Review status: criteria provided, single submitter. Criteria: ACMG Guidelines, 2015. Collection method: clinical testing. Allele origin: germline. Inheritance: Autosomal dominant inheritance. Observed: 1 variant allele, 1 heterozygote.
Comment: This study involves interpretation of variants in research participants for the purpose of population health screening. Participant phenotype was not available at the time of variant classification. Additional details can be found in publication PMID: 35346344, PMCID: PMC8962531